The following is an entry in ClinVar:

NM_001267550.2(TTN):c.67681T>C (p.Leu22561=)

Genes: TTN (titin; minus strand), TTN-AS1 (TTN antisense RNA 1; plus strand), LOC126806423 (CDK7 strongly-dependent group 2 enhancer GRCh37_chr2:179443309-179444508; plus strand). Cytogenetic location: 2q31.2.
Variant type: single nucleotide variant.
Coding change: c.67681T>C on transcript NM_001267550.2 (MANE Select); coding-DNA position 67681, T replaced by C.
Protein change: p.Leu22561=; no amino-acid change (leucine 22561 retained).
Molecular consequence: synonymous variant.
Genome position (GRCh38, 1-based): chr2:178,579,349, A>G on the plus strand (T>C on the coding strand, the complement: TTN is on the minus strand). VCF-style: chr2-178579349-A-G. GRCh37 (hg19) VCF-style: chr2-179444076-A-G.
Other names: c.62758T>C, p.Leu20920= (NM_001256850.1); c.40486T>C, p.Leu13496= (NM_003319.4); c.40861T>C, p.Leu13621= (NM_133432.3); c.41062T>C, p.Leu13688= (NM_133437.4); c.59977T>C, p.Leu19993= (NM_133378.4).
Identifiers: ClinVar variation 47257 (VCV000047257.18), dbSNP rs397517671, ClinGen allele CA140480.
Genomic context (GRCh38, chr2:178,579,349, plus strand): 5'-ATGGAGCTGGCTTGCCTTTTATGGGGATCTTAAGCCGGAAGTTGCTGTTTTCTTTAGCCA[A>G]GTAGCACAAATCAGGTAGACCCTTTAAGTCAAGATCAGGAGCCACTGTAAAATAGCAGAG-3'
Protein context (NP_001254479.2, residues 22551-22571): DLKGLPDLCY[Leu22561=]AKENSNFRLK

ClinVar aggregate classification (germline): Likely benign. Review status: criteria provided, multiple submitters, no conflicts (2 of 4 stars). 5 submissions from 5 submitters: Likely benign (5). Last evaluated 2025-12-03.

Conditions:
Cardiovascular phenotype. Identifiers: MedGen CN230736.
Autosomal recessive limb-girdle muscular dystrophy type 2J (LGMDR10). Also called: Limb-girdle muscular dystrophy, type 2J; MUSCULAR DYSTROPHY, LIMB-GIRDLE, AUTOSOMAL RECESSIVE 10. Identifiers: Orphanet 140922, MedGen C1837342, MONDO:0012127, OMIM 608807.
Dilated cardiomyopathy 1G (CMD1G). Identifiers: Orphanet 154, MedGen C1858763, MONDO:0011400, OMIM 604145.

Allele frequency attached by ClinVar (database versions not stated): gnomAD 0.00001; TOPMed 0.00001; gnomAD exomes 0.00002 and 0.00003.
gnomAD v4.1: 47 of 1,601,588 alleles (0.0029%); highest among the groups gnomAD compares: Non-Finnish European, 0.0035%; no homozygotes.

Submissions (5):

Labcorp Genetics (formerly Invitae), Labcorp
Classification: Likely benign for Dilated cardiomyopathy 1G; Autosomal recessive limb-girdle muscular dystrophy type 2J. Last evaluated: 2025-12-03. Review status: criteria provided, single submitter. Criteria: Invitae Variant Classification Sherloc (09022015). Collection method: clinical testing. Allele origin: germline.

Blueprint Genetics
Classification: Likely benign. Last evaluated: 2024-01-29. Review status: criteria provided, single submitter. Criteria: ACMG Guidelines, 2015. Collection method: clinical testing. Allele origin: germline.

Women's Health and Genetics/Laboratory Corporation of America, LabCorp
Classification: Likely benign. Last evaluated: 2023-11-14. Review status: criteria provided, single submitter. Criteria: LabCorp Variant Classification Summary - May 2015. Collection method: clinical testing. Allele origin: germline.

Ambry Genetics
Classification: Likely benign for Cardiovascular phenotype. Last evaluated: 2021-04-21. Review status: criteria provided, single submitter. Criteria: Ambry Variant Classification Scheme 2023. Collection method: clinical testing. Allele origin: germline.

Laboratory for Molecular Medicine, Mass General Brigham Personalized Medicine
Classification: Likely benign. Last evaluated: 2012-05-24. Review status: criteria provided, single submitter. Criteria: LMM Criteria. Collection method: clinical testing. Allele origin: germline. Observed: 1 variant allele.
Comment: Leu19993Leu in exon 269 of TTN: This variant is not expected to have clinical si gnificance because it does not alter an amino acid residue and is not located wi thin the splice consensus sequence. Leu19993Leu in exon 269 of TTN (allele freq uency = n/a)